The following is an entry in ClinVar:

ClinVar aggregate classification (germline): Likely pathogenic (1 of 4 stars; one submission).

Conditions:
Inborn genetic diseases. Identifiers: MedGen C0950123, MeSH D030342.

Submission:

Ambry Genetics
Classification: Likely pathogenic for Inborn genetic diseases. Last evaluated: 2024-08-08. Review status: criteria provided, single submitter. Criteria: Ambry Variant Classification Scheme 2023. Collection method: clinical testing. Allele origin: germline.
Comment: The c.10C>T (p.Q4*) alteration, located in exon 1 (coding exon 1) of the USP7 gene, consists of a C to T substitution at nucleotide position 10. This changes the amino acid from a glutamine (Q) to a stop codon at amino acid position 4. The predicted stop codon occurs in the 5' end of the USP7 gene. Premature termination codons in the 5&rsquo; end of a gene have been reported to escape nonsense-mediated mRNA decay and/or lead to re-initiation (Rivas, 2015; Lindeboom, 2016; Rhee, 2017). Direct evidence for this alteration is unavailable; however, premature termination codons are typically deleterious in nature. This variant was not reported in population-based cohorts in the Genome Aggregation Database (gnomAD). Based on the available evidence, this alteration is classified as likely pathogenic.

Literature cited by the submitters: PubMed 25954003; PubMed 27618451; PubMed 28490743.

NM_003470.3(USP7):c.10C>T (p.Gln4Ter)

Genes: USP7 (ubiquitin specific peptidase 7; minus strand), USP7-AS1 (USP7 antisense RNA 1; plus strand). Cytogenetic location: 16p13.2.
Variant type: single nucleotide variant.
Coding change: c.10C>T on transcript NM_003470.3 (MANE Select); coding-DNA position 10, C replaced by T.
Protein change: p.Gln4Ter; replaces glutamine 4 with a stop codon.
Molecular consequence: nonsense.
Genome position (GRCh38, 1-based): chr16:8,963,276, G>A on the plus strand (C>T on the coding strand, the complement: USP7 is on the minus strand). VCF-style: chr16-8963276-G-A. GRCh37 (hg19) VCF-style: chr16-9057133-G-A.
Other names: short protein forms Q4*.
Identifiers: ClinVar variation 3467327 (VCV003467327.1).
Genomic context (GRCh38, chr16:8,963,276, plus strand): 5'-CCATGTCCTCGGGCTCGCTCAACTGCTGCTCGCCCGCTTTCTGCTGCTGCTGCTGCTGCT[G>A]GTGGTTCATGTCGGCCGCGGCCTGGGCCTCGCCTGCGGCCGGGGGCCGGGGCTGCGAGCC-3'